The following is an entry in ClinVar:

ClinVar aggregate classification (germline): Uncertain significance (1 of 4 stars; one submission).

Submission:

Labcorp Genetics (formerly Invitae), Labcorp
Classification: Uncertain significance. Last evaluated: 2022-07-05. Review status: criteria provided, single submitter. Criteria: Invitae Variant Classification Sherloc (09022015). Collection method: clinical testing. Allele origin: germline.
Comment: In summary, the available evidence is currently insufficient to determine the role of this variant in disease. Therefore, it has been classified as a Variant of Uncertain Significance. Algorithms developed to predict the effect of missense changes on protein structure and function (SIFT, PolyPhen-2, Align-GVGD) all suggest that this variant is likely to be tolerated. ClinVar contains an entry for this variant (Variation ID: 1450364). This variant has not been reported in the literature in individuals affected with SKIV2L-related conditions. This variant is not present in population databases (gnomAD no frequency). This sequence change replaces alanine, which is neutral and non-polar, with serine, which is neutral and polar, at codon 855 of the SKIV2L protein (p.Ala855Ser).

NM_006929.5(SKIC2):c.2563G>T (p.Ala855Ser)

Gene: SKIC2 (SKI2 subunit of superkiller complex; plus strand). Cytogenetic location: 6p21.33.
Variant type: single nucleotide variant.
Coding change: c.2563G>T on transcript NM_006929.5 (MANE Select); coding-DNA position 2563, G replaced by T.
Protein change: p.Ala855Ser; replaces alanine 855 with serine.
Molecular consequence: missense variant.
Genome position (GRCh38, 1-based): chr6:31,967,357, G>T. VCF-style: chr6-31967357-G-T. GRCh37 (hg19) VCF-style: chr6-31935134-G-T.
Other names: short protein forms A855S.
Identifiers: ClinVar variation 1450364 (VCV001450364.6), dbSNP rs762889447, ClinGen allele CA363475313.